The following is an entry in ClinVar:

ClinVar aggregate classification (germline): Pathogenic (0 of 4 stars; one submission).

Submission:

Quest Diagnostics Nichols Institute San Juan Capistrano
Classification: Pathogenic. Last evaluated: 2021-01-20. Review status: no assertion criteria provided. Collection method: clinical testing. Allele origin: germline.
Comment: The genomic loss is expected to cause chromosome 3q29 microdeletion syndrome (OMIM #609425). The clinical phenotype is variable, but it may include mild to moderate intellectual disability, dysmorphic facial features (long and narrow face, short philtrum, and high nasal bridge), microcephaly, autism, and speech delay. Gait ataxia, chest-wall deformity, and long and tapering fingers were noted in at least two of six patients (Willatt, et al., Am J Hum Genet. 2005 Jul;77(1):154-60, PMID: 15918153 ; Ballif, et al., Mol Cytogenet. 2008 Apr 28;1:8, PMID: 18471269; Digilio et al., Am J Med Genet 2009, 149A:1777-1781,PMID:19610115; Li et al., Eur J Med Genet 2009, 52:349-353, PMID:19460468). This deletion may be associated with a higher risk for schizophrenia (Mulle et al., Am J Hum Genet 2010, 87:229-236, PMID:20691406).

GRCh37/hg19 3q29(chr3:196897651-197081796)x1

Gene: DLG1 (discs large MAGUK scaffold protein 1; minus strand). Cytogenetic location: 3q29.
Variant type: copy number loss.
Change: copy number 1 (one copy instead of two) of chr3:196,897,651-197,081,796 (184.1 kb, GRCh37 coordinates, 1-based), cytogenetic band 3q29.
Identifiers: ClinVar variation 1340842 (VCV001340842.1).